The following is an entry in ClinVar:

NM_032578.4(MYPN):c.3884T>G (p.Phe1295Cys)

Gene: MYPN (myopalladin; plus strand). Cytogenetic location: 10q21.3.
Variant type: single nucleotide variant.
Coding change: c.3884T>G on transcript NM_032578.4 (MANE Select); coding-DNA position 3884, T replaced by G.
Protein change: p.Phe1295Cys; replaces phenylalanine 1295 with cysteine.
Molecular consequence: missense variant. On other transcripts: non-coding transcript variant (2).
Genome position (GRCh38, 1-based): chr10:68,210,376, T>G. VCF-style: chr10-68210376-T-G. GRCh37 (hg19) VCF-style: chr10-69970133-T-G.
Other names: c.3884T>G, p.Phe1295Cys (NM_001256267.2); c.3002T>G, p.Phe1001Cys (NM_001256268.2); short protein forms F1001C, F1295C.
Identifiers: ClinVar variation 3402122 (VCV003402122.1).

ClinVar aggregate classification (germline): Uncertain significance (1 of 4 stars; one submission).

Conditions:
Cardiovascular phenotype. Identifiers: MedGen CN230736.

Submission:

Ambry Genetics
Classification: Uncertain significance for Cardiovascular phenotype. Last evaluated: 2024-12-09. Review status: criteria provided, single submitter. Criteria: Ambry Variant Classification Scheme 2023. Collection method: clinical testing. Allele origin: germline.
Comment: The p.F1295C variant (also known as c.3884T>G), located in coding exon 19 of the MYPN gene, results from a T to G substitution at nucleotide position 3884. The phenylalanine at codon 1295 is replaced by cysteine, an amino acid with highly dissimilar properties. This amino acid position is not well conserved in available vertebrate species. In addition, the in silico prediction for this alteration is inconclusive. Based on the available evidence, the clinical significance of this variant remains unclear.